The following is an entry in ClinVar:

ClinVar aggregate classification (germline): Pathogenic (0 of 4 stars; one submission).

Conditions:
Developmental and epileptic encephalopathy, 7 (DEE7). Also called: KCNQ2-Related Neonatal Epileptic Encephalopathy; Early infantile epileptic encephalopathy 7; KCNQ2-Related Neonatal-Onset Developmental and Epileptic Encephalopathy (NEO-DEE). Identifiers: Orphanet 439218, MedGen C3150986, MONDO:0013387, OMIM 613720.

Submission:

Baylor Genetics
Classification: Pathogenic for Developmental and epileptic encephalopathy, 7. Last evaluated: 2016-05-01. Review status: no assertion criteria provided. Collection method: clinical testing. Allele origin: de novo. Inheritance: Autosomal dominant inheritance. Affected: yes.

NM_172107.4(KCNQ2):c.2296del (p.Leu766fs)

Gene: KCNQ2 (potassium voltage-gated channel subfamily Q member 2; minus strand). Cytogenetic location: 20q13.33.
Variant type: Deletion.
Coding change: c.2296del on transcript NM_172107.4 (MANE Select); coding-DNA position 2296, one base deleted (C; older notation c.2296delC).
Protein change: p.Leu766fs; shifts the reading frame from leucine 766.
Molecular consequence: frameshift variant.
Genome position (GRCh38, 1-based): chr20:63,406,967, G deleted on the plus strand (C on the coding strand, the reverse complement: KCNQ2 is on the minus strand); the first of 2 consecutive G bases (chr20:63,406,967-63,406,968); deleting either gives the same sequence. VCF-style (leftmost placement, unchanged base first): chr20-63406966-AG-A. GRCh37 (hg19) VCF-style: chr20-62038319-AG-A.
Other names: c.2212del, p.Leu738fs (NM_004518.6); c.2242del, p.Leu748fs (NM_172106.3); c.2203del, p.Leu735fs (NM_172108.5); short protein forms L748fs, L735fs, L738fs, L766fs.
Identifiers: ClinVar variation 374390 (VCV000374390.1), dbSNP rs1057518668, ClinGen allele CA16043701.
Genomic context (GRCh38, chr20:63,406,966, plus strand): 5'-GTGTCGCTGTCCCGCAGGTTCCCCTCGGGGGGCCTGCAGCCCGGGGTGTCCTCCTGCCGC[AG>A]GAACTCCATGCTGGCGCGGTTGCCCCCGCCGTAGGCGGACAGCGACCGCTCGTGGGCAGG-3'